The following is an entry in ClinVar:

NM_001267550.2(TTN):c.56685C>T (p.Ser18895=)

Genes: TTN (titin; minus strand), TTN-AS1 (TTN antisense RNA 1; plus strand). Cytogenetic location: 2q31.2.
Variant type: single nucleotide variant.
Coding change: c.56685C>T on transcript NM_001267550.2 (MANE Select); coding-DNA position 56685, C replaced by T.
Protein change: p.Ser18895=; no amino-acid change (serine 18895 retained).
Molecular consequence: synonymous variant.
Genome position (GRCh38, 1-based): chr2:178,599,025, G>A on the plus strand (C>T on the coding strand, the complement: TTN is on the minus strand). VCF-style: chr2-178599025-G-A. GRCh37 (hg19) VCF-style: chr2-179463752-G-A.
Other names: c.51762C>T, p.Ser17254= (NM_001256850.1); c.29490C>T, p.Ser9830= (NM_003319.4); c.48981C>T, p.Ser16327= (NM_133378.4); c.29865C>T, p.Ser9955= (NM_133432.3); c.30066C>T, p.Ser10022= (NM_133437.4).
Identifiers: ClinVar variation 238803 (VCV000238803.40), dbSNP rs375403059, ClinGen allele CA1993194.
Genomic context (GRCh38, chr2:178,599,025, plus strand): 5'-AGGAGAGCCTCCATCATATTCTGGCTCTTCCCAGTTGACAGTCATGGAGTTACGAGTCAC[G>A]CTGCTAACTGTTGGTTTATCTGGTGCTCCAGGGACAGCTGTGAAAAAGATCATATTGATT-3'
Protein context (NP_001254479.2, residues 18885-18905): PGAPDKPTVS[Ser18895=]VTRNSMTVNW

ClinVar aggregate classification (germline): Conflicting classifications of pathogenicity. Review status: criteria provided, conflicting classifications (1 of 4 stars). 9 submissions from 5 submitters: Uncertain significance (6); Likely benign (3). Last evaluated 2025-10-29.

Conditions:
Cardiovascular phenotype. Identifiers: MedGen CN230736.
Dilated cardiomyopathy 1G (CMD1G). Identifiers: Orphanet 154, MedGen C1858763, MONDO:0011400, OMIM 604145.
Autosomal recessive limb-girdle muscular dystrophy type 2J (LGMDR10). Also called: Limb-girdle muscular dystrophy, type 2J; MUSCULAR DYSTROPHY, LIMB-GIRDLE, AUTOSOMAL RECESSIVE 10. Identifiers: Orphanet 140922, MedGen C1837342, MONDO:0012127, OMIM 608807.
Myopathy, myofibrillar, 9, with early respiratory failure (MFM9). Also called: EDSTROM MYOPATHY; MYOPATHY, PROXIMAL, WITH EARLY RESPIRATORY MUSCLE INVOLVEMENT; Hereditary myopathy with early respiratory failure; Myopathy, distal, with early respiratory failure, autosomal dominant. Identifiers: Orphanet 178464, Orphanet 34521, MedGen C1863599, MONDO:0011362, OMIM 603689.
Early-onset myopathy with fatal cardiomyopathy (CMYO5). Also called: Salih Myopathy; CONGENITAL MYOPATHY 5 WITH CARDIOMYOPATHY. Identifiers: Orphanet 289377, MedGen C2673677, MONDO:0012714, OMIM 611705. Disease mechanism: loss of function.
Tibial muscular dystrophy (TMD). Also called: UDD MYOPATHY; Tibial muscular dystrophy, tardive; Udd Distal Myopathy – Tibial Muscular Dystrophy. Identifiers: Orphanet 609, MedGen C1838244, MONDO:0010870, OMIM 600334.

Allele frequency attached by ClinVar (database versions not stated): TOPMed below 0.00001; ESP Exome Variant Server 0.00008.
gnomAD v4.1: 15 of 1,590,468 alleles (0.00094%); highest among the groups gnomAD compares: South Asian, 0.0069%; no homozygotes.

Submissions (9):

Labcorp Genetics (formerly Invitae), Labcorp
Classification: Likely benign for Dilated cardiomyopathy 1G; Autosomal recessive limb-girdle muscular dystrophy type 2J. Last evaluated: 2025-10-29. Review status: criteria provided, single submitter. Criteria: Invitae Variant Classification Sherloc (09022015). Collection method: clinical testing. Allele origin: germline.

CeGaT Center for Human Genetics Tuebingen
Classification: Likely benign. Last evaluated: 2023-05-01. Review status: criteria provided, single submitter. Criteria: CeGaT Center For Human Genetics Tuebingen Variant Classification Criteria Version 2. Collection method: clinical testing. Allele origin: germline. Affected: yes. Observed: 1 variant allele.
Comment: TTN: BP4, BP7

Ambry Genetics
Classification: Likely benign for Cardiovascular phenotype. Last evaluated: 2023-04-13. Review status: criteria provided, single submitter. Criteria: Ambry Variant Classification Scheme 2023. Collection method: clinical testing. Allele origin: germline.

Revvity Omics, Revvity
Classification: Uncertain significance. Last evaluated: 2020-08-05. Review status: criteria provided, single submitter. Criteria: ACMG Guidelines, 2015. Collection method: clinical testing. Allele origin: germline.

Illumina Laboratory Services, Illumina
Classification: Uncertain significance for Early-onset myopathy with fatal cardiomyopathy. Last evaluated: 2018-01-13. Review status: criteria provided, single submitter. Criteria: ICSL Variant Classification Criteria 13 December 2019. Collection method: clinical testing. Allele origin: germline.

Illumina Laboratory Services, Illumina
Classification: Uncertain significance for Tibial muscular dystrophy. Last evaluated: 2018-01-13. Review status: criteria provided, single submitter. Criteria: ICSL Variant Classification Criteria 13 December 2019. Collection method: clinical testing. Allele origin: germline.

Illumina Laboratory Services, Illumina
Classification: Uncertain significance for Myopathy, myofibrillar, 9, with early respiratory failure. Last evaluated: 2018-01-13. Review status: criteria provided, single submitter. Criteria: ICSL Variant Classification Criteria 13 December 2019. Collection method: clinical testing. Allele origin: germline.

Illumina Laboratory Services, Illumina
Classification: Uncertain significance for Autosomal recessive limb-girdle muscular dystrophy type 2J. Last evaluated: 2018-01-13. Review status: criteria provided, single submitter. Criteria: ICSL Variant Classification Criteria 13 December 2019. Collection method: clinical testing. Allele origin: germline.

Illumina Laboratory Services, Illumina
Classification: Uncertain significance for Dilated cardiomyopathy 1G. Last evaluated: 2018-01-13. Review status: criteria provided, single submitter. Criteria: ICSL Variant Classification Criteria 13 December 2019. Collection method: clinical testing. Allele origin: germline.